The following is an entry in ClinVar:

NM_058216.3(RAD51C):c.974C>T (p.Thr325Ile)

Gene: RAD51C (RAD51 paralog C; plus strand). Cytogenetic location: 17q22.
Variant type: single nucleotide variant.
Coding change: c.974C>T on transcript NM_058216.3 (MANE Select); coding-DNA position 974, C replaced by T.
Protein change: p.Thr325Ile; replaces threonine 325 with isoleucine.
Molecular consequence: missense variant. On other transcripts: non-coding transcript variant (1).
Genome position (GRCh38, 1-based): chr17:58,732,492, C>T. VCF-style: chr17-58732492-C-T. GRCh37 (hg19) VCF-style: chr17-56809853-C-T.
Other names: c.*402C>T (NM_058217.1); short protein forms T325I.
Identifiers: ClinVar variation 2087918 (VCV002087918.4), dbSNP rs2144044594, ClinGen allele CA400364869.

ClinVar aggregate classification (germline): Uncertain significance (1 of 4 stars; one submission).

Conditions:
Fanconi anemia complementation group O. Also called: RAD51C-Related Fanconi Anemia. Identifiers: Orphanet 84, MedGen C3150653, MONDO:0013248, OMIM 613390.

Submission:

Labcorp Genetics (formerly Invitae), Labcorp
Classification: Uncertain significance for Fanconi anemia complementation group O. Last evaluated: 2022-01-19. Review status: criteria provided, single submitter. Criteria: Invitae Variant Classification Sherloc (09022015). Collection method: clinical testing. Allele origin: germline.
Comment: In summary, the available evidence is currently insufficient to determine the role of this variant in disease. Therefore, it has been classified as a Variant of Uncertain Significance. Algorithms developed to predict the effect of missense changes on protein structure and function are either unavailable or do not agree on the potential impact of this missense change (SIFT: "Deleterious"; PolyPhen-2: "Benign"; Align-GVGD: "Class C0"). This variant has not been reported in the literature in individuals affected with RAD51C-related conditions. This variant is not present in population databases (gnomAD no frequency). This sequence change replaces threonine, which is neutral and polar, with isoleucine, which is neutral and non-polar, at codon 325 of the RAD51C protein (p.Thr325Ile).